The following is an entry in ClinVar:

ClinVar aggregate classification (germline): Conflicting classifications of pathogenicity. Review status: criteria provided, conflicting classifications (1 of 4 stars). 2 submissions from 2 submitters: Uncertain significance (1); Likely benign (1). Last evaluated 2025-02-23.

Conditions:
Gorlin syndrome. Also called: Basal cell nevus syndrome; Nevoid Basal Cell Carcinoma Syndrome. Identifiers: Orphanet 377, MedGen C0004779, MONDO:0007187.
Hereditary cancer-predisposing syndrome. Also called: Neoplastic Syndromes, Hereditary; Hereditary Cancer Syndrome; Hereditary neoplastic syndrome; Tumor predisposition. Identifiers: Orphanet 140162, MedGen C0027672, MeSH D009386, MONDO:0015356.

Allele frequency attached by ClinVar (database versions not stated): TOPMed below 0.00001; gnomAD 0.00001; gnomAD exomes 0.00001 and 0.00002; ExAC 0.00002.
gnomAD v4.1: 10 of 1,614,024 alleles (0.00062%); highest among the groups gnomAD compares: African/African-American, 0.0013%; no homozygotes.

Submissions (2):

Labcorp Genetics (formerly Invitae), Labcorp
Classification: Likely benign for Gorlin syndrome. Last evaluated: 2025-02-23. Review status: criteria provided, single submitter. Criteria: Invitae Variant Classification Sherloc (09022015). Collection method: clinical testing. Allele origin: germline.

Ambry Genetics
Classification: Uncertain significance for Hereditary cancer-predisposing syndrome. Last evaluated: 2024-07-02. Review status: criteria provided, single submitter. Criteria: Ambry Variant Classification Scheme 2023. Collection method: clinical testing. Allele origin: germline.
Comment: The p.R906H variant (also known as c.2717G>A), located in coding exon 17 of the PTCH1 gene, results from a G to A substitution at nucleotide position 2717. The arginine at codon 906 is replaced by histidine, an amino acid with highly similar properties. This amino acid position is highly conserved in available vertebrate species. In addition, this alteration is predicted to be deleterious by in silico analysis. Since supporting evidence is limited at this time, the clinical significance of this alteration remains unclear.

NM_000264.5(PTCH1):c.2717G>A (p.Arg906His)

Gene: PTCH1 (patched 1; minus strand). Cytogenetic location: 9q22.32.
Variant type: single nucleotide variant.
Coding change: c.2717G>A on transcript NM_000264.5 (MANE Select); coding-DNA position 2717, G replaced by A.
Protein change: p.Arg906His; replaces arginine 906 with histidine.
Molecular consequence: missense variant. On other transcripts: non-coding transcript variant (1).
Genome position (GRCh38, 1-based): chr9:95,459,770, C>T on the plus strand (G>A on the coding strand, the complement: PTCH1 is on the minus strand). VCF-style: chr9-95459770-C-T. GRCh37 (hg19) VCF-style: chr9-98222052-C-T.
Other names: c.2519G>A, p.Arg840His (NM_001083602.3); c.2714G>A, p.Arg905His (NM_001083603.3); c.2264G>A, p.Arg755His (NM_001083604.3, NM_001083605.3, NM_001083606.3 and 1 more transcripts); c.2561G>A, p.Arg854His (NM_001354918.2); short protein forms R755H, R840H, R854H, R905H, R906H.
Identifiers: ClinVar variation 645644 (VCV000645644.12), dbSNP rs764310195, ClinGen allele CA5138333.